The following is an entry in ClinVar:

NC_000001.10:g.(?_216270405)_(216424460_?)del

Gene: USH2A (usherin; minus strand). Cytogenetic location: 1q41.
Variant type: Deletion.
Identifiers: ClinVar variation 1070625 (VCV001070625.7).

ClinVar aggregate classification (germline): Pathogenic (1 of 4 stars; one submission).

Submission:

Labcorp Genetics (formerly Invitae), Labcorp
Classification: Pathogenic. Last evaluated: 2020-10-08. Review status: criteria provided, single submitter. Criteria: Invitae Variant Classification Sherloc (09022015). Collection method: clinical testing. Allele origin: germline.
Comment: For these reasons, this variant has been classified as Pathogenic. The region of the USH2A gene that includes exon(s) 21 has been determined to be clinically significant (PMID: 18273898, 27460420, Invitae). Therefore, deletions that encompass that region are likely to disrupt protein function and cause disease. This variant has not been reported in the literature in individuals with USH2A-related conditions. This variant is an in-frame deletion of the genomic region encompassing exon(s) 12-22 of the USH2A gene. It preserves the integrity of the reading frame.

Literature cited by the submitters: PubMed 18273898; PubMed 27460420.